The following is an entry in ClinVar:

NM_172369.5(C1QC):c.56TGC[5] (p.Leu22_Pro23insLeu)

Gene: C1QC (complement C1q C chain; plus strand). Cytogenetic location: 1p36.12.
Variant type: Microsatellite.
Coding change: c.56TGC[5] on transcript NM_172369.5 (MANE Select); five copies in a row of the 3-base unit TGC starting at c.56; the reference has four copies in a row; one copy, 3 bases duplicated.
Protein change: p.Leu22_Pro23insLeu.
Molecular consequence: inframe insertion. On other transcripts: intron variant (1).
Genome position (GRCh38, 1-based): chr1:22,644,088-22,644,090, TGC duplicated; duplicating any 3 consecutive bases within chr1:22,644,078-22,644,090 gives the same sequence; the position shown is the placement nearest the transcript's 3' end. VCF-style (leftmost placement, unchanged base first): chr1-22644077-C-CCTG. GRCh37 (hg19) VCF-style: chr1-22970570-C-CCTG.
Other names: c.56TGC[5], p.Leu22_Pro23insLeu (NM_001114101.3, NM_001347619.2); c.-87+364CTG[5] (NM_001347620.2).
Identifiers: ClinVar variation 2021967 (VCV002021967.1), dbSNP rs760270842, ClinGen allele CA677883.
Genomic context (GRCh38, chr1:22,644,077, plus strand): 5'-CTCCGGGATGGACGTGGGGCCCAGCTCCCTGCCCCACCTTGGGCTGAAGCTGCTGCTGCT[C>CCTG]CTGCTGCTGCTGCCCCTCAGGGGCCAAGCCAACACAGGCTGCTACGGGATCCCAGGGATG-3'

ClinVar aggregate classification (germline): Uncertain significance (1 of 4 stars; one submission).

Submission:

Labcorp Genetics (formerly Invitae), Labcorp
Classification: Uncertain significance. Last evaluated: 2022-02-19. Review status: criteria provided, single submitter. Criteria: Invitae Variant Classification Sherloc (09022015). Collection method: clinical testing. Allele origin: germline.
Comment: This variant, c.65_67dup, results in the insertion of 1 amino acid(s) of the C1QC protein (p.Leu22dup), but otherwise preserves the integrity of the reading frame. This variant is present in population databases (rs763912542, gnomAD 0.001%). This variant has not been reported in the literature in individuals affected with C1QC-related conditions. In summary, the available evidence is currently insufficient to determine the role of this variant in disease. Therefore, it has been classified as a Variant of Uncertain Significance.